The following is an entry in ClinVar:

NM_181703.4(GJA5):c.413A>C (p.Glu138Ala)

Gene: GJA5 (gap junction protein alpha 5; minus strand). Cytogenetic location: 1q21.2.
Variant type: single nucleotide variant.
Coding change: c.413A>C on transcript NM_181703.4 (MANE Select); coding-DNA position 413, A replaced by C.
Protein change: p.Glu138Ala; replaces glutamic acid 138 with alanine.
Molecular consequence: missense variant.
Genome position (GRCh38, 1-based): chr1:147,758,826, T>G on the plus strand (A>C on the coding strand, the complement: GJA5 is on the minus strand). VCF-style: chr1-147758826-T-G. GRCh37 (hg19) VCF-style: chr1-147230934-T-G.
Other names: c.413A>C, p.Glu138Ala (NM_005266.7); c.413A>C (NM_005266.5); short protein forms E138A.
Identifiers: ClinVar variation 1424583 (VCV001424583.7), dbSNP rs782730854, ClinGen allele CA1065769.

ClinVar aggregate classification (germline): Uncertain significance. Review status: criteria provided, multiple submitters, no conflicts (2 of 4 stars). 2 submissions from 2 submitters: Uncertain significance (2). Last evaluated 2025-10-26.

Conditions:
Atrial standstill 1 (ATRST1). Also called: ATRIAL CARDIOMYOPATHY WITH HEART BLOCK; CARDIOMYOPATHY, FAMILIAL, WITH CONDUCTION DISTURBANCE; Atrial standstill, digenic (GJA5/SCN5A). Identifiers: Orphanet 1344, MedGen C4551959, MONDO:0007171, OMIM 108770.
Atrial fibrillation, familial, 11 (ATFB11). Identifiers: MedGen C3279693, MONDO:0013544, OMIM 614049.
Inborn genetic diseases. Identifiers: MedGen C0950123, MeSH D030342.

Allele frequency attached by ClinVar (database versions not stated): gnomAD exomes 0.00001 and 0.00003; ExAC 0.00002; gnomAD 0.00002; TOPMed 0.00002.

Submissions (2):

Labcorp Genetics (formerly Invitae), Labcorp
Classification: Uncertain significance for Atrial fibrillation, familial, 11; Atrial standstill 1. Last evaluated: 2025-10-26. Review status: criteria provided, single submitter. Criteria: Invitae Variant Classification Sherloc (09022015). Collection method: clinical testing. Allele origin: germline.
Comment: This sequence change replaces glutamic acid, which is acidic and polar, with alanine, which is neutral and non-polar, at codon 138 of the GJA5 protein (p.Glu138Ala). This variant is present in population databases (rs782730854, gnomAD 0.002%). This variant has not been reported in the literature in individuals affected with GJA5-related conditions. ClinVar contains an entry for this variant (Variation ID: 1424583). Invitae Evidence Modeling of protein sequence and biophysical properties (such as structural, functional, and spatial information, amino acid conservation, physicochemical variation, residue mobility, and thermodynamic stability) indicates that this missense variant is not expected to disrupt GJA5 protein function with a negative predictive value of 80%. In summary, the available evidence is currently insufficient to determine the role of this variant in disease. Therefore, it has been classified as a Variant of Uncertain Significance.

Ambry Genetics
Classification: Uncertain significance for Inborn genetic diseases. Last evaluated: 2025-03-28. Review status: criteria provided, single submitter. Criteria: Ambry Variant Classification Scheme 2023. Collection method: clinical testing. Allele origin: germline.